The following is an entry in ClinVar:

ClinVar aggregate classification (germline): Benign (1 of 4 stars; one submission).

Allele frequency attached by ClinVar (database versions not stated): 1000 Genomes Project 30x 0.34135; 1000 Genomes Project 0.34305; TOPMed 0.38581; gnomAD 0.39571 and 0.39622; ESP Exome Variant Server 0.40024; gnomAD exomes 0.40052 and 0.43197; ExAC 0.40354.
gnomAD v4.1: 691,273 of 1,613,226 alleles (43%); highest among the groups gnomAD compares: Non-Finnish European, 45%; 152,441 homozygotes.

Submission:

GeneDx
Classification: Benign. Last evaluated: 2021-05-04. Review status: criteria provided, single submitter. Criteria: GeneDx Variant Classification Process June 2021. Collection method: clinical testing. Allele origin: germline. Affected: yes.
Comment: This variant is associated with the following publications: (PMID: 23566281, 23549433, 31838262)

NM_004557.4(NOTCH4):c.958A>G (p.Thr320Ala)

Gene: NOTCH4 (notch receptor 4; minus strand). Cytogenetic location: 6p21.32.
Variant type: single nucleotide variant.
Coding change: c.958A>G on transcript NM_004557.4 (MANE Select); coding-DNA position 958, A replaced by G.
Protein change: p.Thr320Ala; replaces threonine 320 with alanine.
Molecular consequence: missense variant. On other transcripts: non-coding transcript variant (2).
Genome position (GRCh38, 1-based): chr6:32,220,606, T>C on the plus strand (A>G on the coding strand, the complement: NOTCH4 is on the minus strand). VCF-style: chr6-32220606-T-C. GRCh37 (hg19) VCF-style: chr6-32188383-T-C.
Other names: short protein forms T320A.
Identifiers: ClinVar variation 1297197 (VCV001297197.2), dbSNP rs422951, ClinGen allele CA3740103.
Genomic context (GRCh38, chr6:32,220,606, plus strand): 5'-GAAAGCTACCAGCAGAGTTCTGGCAGGTGCCCCCGTTTCTGCAGTGAGGGGGACCCTGGG[T>C]CTCACACTCATCCACATCTTCGGAGCAGTCCCAGCCTGCAGGGGGTTGGGGAGGGGACGA-3'
Protein context (NP_004548.3, residues 310-330): DCSEDVDECE[Thr320Ala]QGPPHCRNGG